The following is an entry in ClinVar:

NC_000006.12:g.46080125A>C

Gene: CLIC5 (CLIC family member 5; minus strand). Cytogenetic location: 6p21.1.
Variant type: single nucleotide variant.
Molecular consequence: missense variant (on NM_001114086.2). On other transcripts: intron variant (1).
Genome position: GRCh38 VCF-style: chr6-46080125-A-C. GRCh37 (hg19) VCF-style: chr6-46047862-A-C.
Other names: c.118T>G, p.Leu40Val (NM_001114086.2, NM_001370650.1); c.-55+49379T>G (NM_001370649.1); short protein forms L40V.
Identifiers: ClinVar variation 3688437 (VCV003688437.2).

ClinVar aggregate classification (germline): Uncertain significance (1 of 4 stars; one submission).

gnomAD v4.1: 2 of 1,551,744 alleles (0.00013%); highest among the groups gnomAD compares: Admixed American, 0.002%; no homozygotes.

Submission:

Labcorp Genetics (formerly Invitae), Labcorp
Classification: Uncertain significance. Last evaluated: 2024-10-08. Review status: criteria provided, single submitter. Criteria: Invitae Variant Classification Sherloc (09022015). Collection method: clinical testing. Allele origin: germline.
Comment: This sequence change replaces leucine, which is neutral and non-polar, with valine, which is neutral and non-polar, at codon 40 of the CLIC5 protein (p.Leu40Val). This variant is present in population databases (no rsID available, gnomAD 0.004%). This variant has not been reported in the literature in individuals affected with CLIC5-related conditions. An algorithm developed to predict the effect of missense changes on protein structure and function outputs the following: PolyPhen-2: "Benign". The valine amino acid residue is found in multiple mammalian species, which suggests that this missense change does not adversely affect protein function. In summary, the available evidence is currently insufficient to determine the role of this variant in disease. Therefore, it has been classified as a Variant of Uncertain Significance.